The following is an entry in ClinVar:

ClinVar aggregate classification (germline): Uncertain significance. Review status: criteria provided, multiple submitters, no conflicts (2 of 4 stars). 5 submissions from 5 submitters: Uncertain significance (5). Last evaluated 2025-11-10.

Conditions:
Hereditary cancer-predisposing syndrome. Also called: Tumor predisposition; Neoplastic Syndromes, Hereditary; Hereditary neoplastic syndrome; Hereditary Cancer Syndrome. Identifiers: Orphanet 140162, MedGen C0027672, MeSH D009386, MONDO:0015356.
Classic or attenuated familial adenomatous polyposis. Identifiers: MedGen CN372698, MONDO:0021057.
Familial adenomatous polyposis 1 (FAP1). Also called: POLYPOSIS, ADENOMATOUS INTESTINAL; FAMILIAL ADENOMATOUS POLYPOSIS 1, ATTENUATED. Identifiers: MedGen C2713442, MONDO:0021056, OMIM 175100. Disease mechanism: loss of function.

Allele frequency attached by ClinVar (database versions not stated): gnomAD exomes below 0.00001; TOPMed below 0.00001.
gnomAD v4.1: 4 of 1,613,636 alleles (0.00025%); highest among the groups gnomAD compares: Non-Finnish European, 0.000085%; no homozygotes.

Submissions (5):

Labcorp Genetics (formerly Invitae), Labcorp
Classification: Uncertain significance for Familial adenomatous polyposis 1. Last evaluated: 2025-11-10. Review status: criteria provided, single submitter. Criteria: Invitae Variant Classification Sherloc (09022015). Collection method: clinical testing. Allele origin: germline.
Comment: This sequence change replaces isoleucine, which is neutral and non-polar, with methionine, which is neutral and non-polar, at codon 1926 of the APC protein (p.Ile1926Met). This variant is present in population databases (no rsID available, gnomAD no frequency). This variant has not been reported in the literature in individuals affected with APC-related conditions. ClinVar contains an entry for this variant (Variation ID: 630922). Invitae Evidence Modeling of protein sequence and biophysical properties (such as structural, functional, and spatial information, amino acid conservation, physicochemical variation, residue mobility, and thermodynamic stability) indicates that this missense variant is not expected to disrupt APC protein function with a negative predictive value of 95%. In summary, the available evidence is currently insufficient to determine the role of this variant in disease. Therefore, it has been classified as a Variant of Uncertain Significance.

Ambry Genetics
Classification: Uncertain significance for Hereditary cancer-predisposing syndrome. Last evaluated: 2025-02-17. Review status: criteria provided, single submitter. Criteria: Ambry Variant Classification Scheme 2023. Collection method: clinical testing. Allele origin: germline.
Comment: The p.I1926M variant (also known as c.5778A>G), located in coding exon 15 of the APC gene, results from an A to G substitution at nucleotide position 5778. The isoleucine at codon 1926 is replaced by methionine, an amino acid with highly similar properties. This amino acid position is poorly conserved and methionine is the reference amino acid in several species. In addition, in silico predictors for this gene do not accurately predict pathogenicity. Missense alterations in APC are not a common cause of disease (Spier I et al. Genet Med. 2024 Feb;26(2):100992). Based on the available evidence, the clinical significance of this variant remains unclear.

All of Us Research Program, National Institutes of Health
Classification: Uncertain significance for Classic or attenuated familial adenomatous polyposis. Last evaluated: 2024-04-16. Review status: criteria provided, single submitter. Criteria: ACMG Guidelines, 2015. Collection method: clinical testing. Allele origin: germline. Inheritance: Autosomal dominant inheritance. Observed: 1 variant allele, 1 heterozygote.
Comment: This missense variant replaces isoleucine with methionine at codon 1926 of the APC protein. Computational prediction suggests that this variant may not impact protein structure and function (internally defined REVEL score threshold <= 0.5, PMID: 27666373). To our knowledge, functional studies have not been reported for this variant. This variant has not been reported in individuals affected with hereditary cancer in the literature. This variant has been identified in 1/249848 chromosomes in the general population by the Genome Aggregation Database (gnomAD). The available evidence is insufficient to determine the role of this variant in disease conclusively. Therefore, this variant is classified as a Variant of Uncertain Significance.

This study involves interpretation of variants in research participants for the purpose of population health screening. Participant phenotype was not available at the time of variant classification. Additional details can be found in publication PMID: 35346344, PMCID: PMC8962531

Color Diagnostics, LLC DBA Color Health
Classification: Uncertain significance for Hereditary cancer-predisposing syndrome. Last evaluated: 2024-03-06. Review status: criteria provided, single submitter. Criteria: ACMG Guidelines, 2015. Collection method: clinical testing. Allele origin: germline.
Comment: This missense variant replaces isoleucine with methionine at codon 1926 of the APC protein. Computational prediction suggests that this variant may not impact protein structure and function (internally defined REVEL score threshold <= 0.5, PMID: 27666373). To our knowledge, functional studies have not been reported for this variant. This variant has not been reported in individuals affected with hereditary cancer in the literature. This variant has been identified in 1/249848 chromosomes in the general population by the Genome Aggregation Database (gnomAD). The available evidence is insufficient to determine the role of this variant in disease conclusively. Therefore, this variant is classified as a Variant of Uncertain Significance.

Women's Health and Genetics/Laboratory Corporation of America, LabCorp
Classification: Uncertain significance. Last evaluated: 2023-03-11. Review status: criteria provided, single submitter. Criteria: LabCorp Variant Classification Summary - May 2015. Collection method: clinical testing. Allele origin: germline.

NM_000038.6(APC):c.5778A>G (p.Ile1926Met)

Gene: APC (APC regulator of Wnt signaling pathway; plus strand). Cytogenetic location: 5q22.2.
Variant type: single nucleotide variant.
Coding change: c.5778A>G on transcript NM_000038.6 (MANE Select); coding-DNA position 5778, A replaced by G.
Protein change: p.Ile1926Met; replaces isoleucine 1926 with methionine.
Molecular consequence: missense variant.
Genome position (GRCh38, 1-based): chr5:112,841,372, A>G. VCF-style: chr5-112841372-A-G. GRCh37 (hg19) VCF-style: chr5-112177069-A-G.
Other names: c.5778A>G, p.Ile1926Met (NM_001127510.3, NM_001354895.2); c.5724A>G, p.Ile1908Met (NM_001127511.3); c.5832A>G, p.Ile1944Met (NM_001354896.2); c.5808A>G, p.Ile1936Met (NM_001354897.2); c.5703A>G, p.Ile1901Met (NM_001354898.2); c.5694A>G, p.Ile1898Met (NM_001354899.2); c.5655A>G, p.Ile1885Met (NM_001354900.2); c.5601A>G, p.Ile1867Met (NM_001354901.2); and 5 more; short protein forms I1908M, I1926M, I1825M, I1936M, I1766M, I1800M, I1898M, I1643M.
Identifiers: ClinVar variation 630922 (VCV000630922.23), dbSNP rs1244090932, ClinGen allele CA16033974.
Genomic context (GRCh38, chr5:112,841,372, plus strand): 5'-AGCTAATAAGACACAAGCTATTGCAAAGCAGCCAATAAATCGAGGTCAGCCTAAACCCAT[A>G]CTTCAGAAACAATCCACTTTTCCCCAGTCATCCAAAGACATACCAGACAGAGGGGCAGCA-3'
Protein context (NP_000029.2, residues 1916-1936): QPINRGQPKP[Ile1926Met]LQKQSTFPQS